The following is an entry in ClinVar:

ClinVar aggregate classification (germline): Likely pathogenic. Review status: criteria provided, multiple submitters, no conflicts (2 of 4 stars). 2 submissions from 2 submitters: Likely pathogenic (2). Last evaluated 2024-05-04.

Conditions:
ALG6-congenital disorder of glycosylation 1C (CDG1C). Also called: CARBOHYDRATE-DEFICIENT GLYCOPROTEIN SYNDROME, TYPE V; Congenital disorder of glycosylation type 1C; CARBOHYDRATE-DEFICIENT GLYCOPROTEIN SYNDROME, TYPE I, WITH DEFICIENT GLYCOSYLATION OF DOLICHOL-LINKED OLIGOSACCHARIDE; CDG Ic; Congenital disorder of glycosylation, type Ic. Identifiers: Orphanet 79320, MedGen C2930997, MONDO:0011291, OMIM 603147.

Submissions (2):

Labcorp Genetics (formerly Invitae), Labcorp
Classification: Likely pathogenic for ALG6-congenital disorder of glycosylation 1C. Last evaluated: 2024-05-04. Review status: criteria provided, single submitter. Criteria: Invitae Variant Classification Sherloc (09022015). Collection method: clinical testing. Allele origin: germline.
Comment: This sequence change affects an acceptor splice site in intron 13 of the ALG6 gene. It is expected to disrupt RNA splicing. Variants that disrupt the donor or acceptor splice site typically lead to a loss of protein function (PMID: 16199547), and loss-of-function variants in ALG6 are known to be pathogenic (PMID: 19862844). This variant is not present in population databases (gnomAD no frequency). This variant has not been reported in the literature in individuals affected with ALG6-related conditions. ClinVar contains an entry for this variant (Variation ID: 983074). Algorithms developed to predict the effect of sequence changes on RNA splicing suggest that this variant may disrupt the consensus splice site. In summary, the currently available evidence indicates that the variant is pathogenic, but additional data are needed to prove that conclusively. Therefore, this variant has been classified as Likely Pathogenic.

Institute of Human Genetics, University of Leipzig Medical Center
Classification: Likely pathogenic for ALG6-congenital disorder of glycosylation 1C. Last evaluated: 2019-01-01. Review status: criteria provided, single submitter. Criteria: ACMG Guidelines, 2015. Collection method: clinical testing. Allele origin: unknown. Affected: yes.

Literature cited by the submitters: PubMed 16199547 (cited by Labcorp Genetics (formerly Invitae), Labcorp); PubMed 19862844 (cited by Labcorp Genetics (formerly Invitae), Labcorp).

NM_013339.4(ALG6):c.1128-1G>A

Gene: ALG6 (ALG6 alpha-1,3-glucosyltransferase; plus strand). Cytogenetic location: 1p31.3.
Variant type: single nucleotide variant.
Coding change: c.1128-1G>A on transcript NM_013339.4 (MANE Select); the canonical splice acceptor site of the intron before coding-DNA position 1128, G replaced by A.
Molecular consequence: splice acceptor variant.
Genome position (GRCh38, 1-based): chr1:63,428,927, G>A. VCF-style: chr1-63428927-G-A. GRCh37 (hg19) VCF-style: chr1-63894598-G-A.
Identifiers: ClinVar variation 983074 (VCV000983074.5), dbSNP rs1644631015, ClinGen allele CA340639907.